The following is an entry in ClinVar:

NM_015443.4(KANSL1):c.2122A>G (p.Arg708Gly)

Gene: KANSL1 (KAT8 regulatory NSL complex subunit 1). Cytogenetic location: 17q21.31.
Variant type: single nucleotide variant.
Coding change: c.2122A>G on transcript NM_015443.4 (MANE Select); coding-DNA position 2122, A replaced by G.
Protein change: p.Arg708Gly; replaces arginine 708 with glycine.
Molecular consequence: missense variant.
Genome position (GRCh38, 1-based): chr17:46,039,783, T>C on the plus strand (A>G on the coding strand, the complement: KANSL1 is on the minus strand). VCF-style: chr17-46039783-T-C. GRCh37 (hg19) VCF-style: chr17-44117149-T-C.
Other names: c.2122A>G, p.Arg708Gly (NM_001405877.1, NM_001405878.1, NM_001405879.1 and 14 more transcripts); c.2020A>G, p.Arg674Gly (NM_001405881.1, NM_001405859.1, NM_001405860.1 and 1 more transcripts); c.856A>G, p.Arg286Gly (NM_001405882.1, NM_001405883.1, NM_001405884.1 and 1 more transcripts); short protein forms R286G, R708G, R674G.
Identifiers: ClinVar variation 2825082 (VCV002825082.3), dbSNP rs2510500292, ClinGen allele CA399982308.

ClinVar aggregate classification (germline): Uncertain significance (1 of 4 stars; one submission).

Conditions:
Koolen-de Vries syndrome (KDVS). Identifiers: Orphanet 96169, MedGen C1864871, MONDO:0012496, OMIM 610443.

gnomAD v4.1: 1 of 1,614,236 alleles (0.000062%); no homozygotes.

Submission:

Labcorp Genetics (formerly Invitae), Labcorp
Classification: Uncertain significance for Koolen-de Vries syndrome. Last evaluated: 2025-07-30. Review status: criteria provided, single submitter. Criteria: Invitae Variant Classification Sherloc (09022015). Collection method: clinical testing. Allele origin: germline.
Comment: This sequence change replaces arginine, which is basic and polar, with glycine, which is neutral and non-polar, at codon 708 of the KANSL1 protein (p.Arg708Gly). This variant is not present in population databases (gnomAD no frequency). This variant has not been reported in the literature in individuals affected with KANSL1-related conditions. ClinVar contains an entry for this variant (Variation ID: 2825082). Invitae Evidence Modeling of protein sequence and biophysical properties (such as structural, functional, and spatial information, amino acid conservation, physicochemical variation, residue mobility, and thermodynamic stability) indicates that this missense variant is not expected to disrupt KANSL1 protein function with a negative predictive value of 80%. In summary, the available evidence is currently insufficient to determine the role of this variant in disease. Therefore, it has been classified as a Variant of Uncertain Significance.